The following is an entry in ClinVar:

ClinVar aggregate classification (germline): Uncertain significance (1 of 4 stars; one submission).

Conditions:
Congenital muscular hypertrophy-cerebral syndrome (CDLS2). Also called: Cornelia de Lange syndrome 2; SMC1A-Related Cornelia de Lange Syndrome. Identifiers: Orphanet 199, MedGen C1802395, MONDO:0010370, OMIM 300590.

Submission:

Labcorp Genetics (formerly Invitae), Labcorp
Classification: Uncertain significance for Congenital muscular hypertrophy-cerebral syndrome. Last evaluated: 2024-12-12. Review status: criteria provided, single submitter. Criteria: Invitae Variant Classification Sherloc (09022015). Collection method: clinical testing. Allele origin: germline.
Comment: This sequence change replaces asparagine, which is neutral and polar, with aspartic acid, which is acidic and polar, at codon 812 of the SMC1A protein (p.Asn812Asp). This variant is not present in population databases (gnomAD no frequency). This variant has not been reported in the literature in individuals affected with SMC1A-related conditions. Invitae Evidence Modeling of protein sequence and biophysical properties (such as structural, functional, and spatial information, amino acid conservation, physicochemical variation, residue mobility, and thermodynamic stability) indicates that this missense variant is not expected to disrupt SMC1A protein function with a negative predictive value of 80%. In summary, the available evidence is currently insufficient to determine the role of this variant in disease. Therefore, it has been classified as a Variant of Uncertain Significance.

NM_006306.4(SMC1A):c.2434A>G (p.Asn812Asp)

Gene: SMC1A (structural maintenance of chromosomes 1A; minus strand). Cytogenetic location: Xp11.22.
Variant type: single nucleotide variant.
Coding change: c.2434A>G on transcript NM_006306.4 (MANE Select); coding-DNA position 2434, A replaced by G.
Protein change: p.Asn812Asp; replaces asparagine 812 with aspartic acid.
Molecular consequence: missense variant.
Genome position (GRCh38, 1-based): chrX:53,399,717, T>C on the plus strand (A>G on the coding strand, the complement: SMC1A is on the minus strand). VCF-style: chrX-53399717-T-C. GRCh37 (hg19) VCF-style: chrX-53426639-T-C.
Other names: c.2368A>G, p.Asn790Asp (NM_001281463.1); short protein forms N790D, N812D.
Identifiers: ClinVar variation 3665880 (VCV003665880.2).